The following is an entry in ClinVar:

ClinVar aggregate classification (germline): Benign/Likely benign. Review status: criteria provided, multiple submitters, no conflicts (2 of 4 stars). 14 submissions from 11 submitters: Benign (8); Likely benign (5). 1 of the submissions does not count toward it. Last evaluated 2026-06-01.

Conditions:
TTN-related disorder. Also called: TTN-related disorders; TTN-related condition; TTN-related disease.
Autosomal recessive limb-girdle muscular dystrophy type 2J (LGMDR10). Also called: MUSCULAR DYSTROPHY, LIMB-GIRDLE, AUTOSOMAL RECESSIVE 10; Limb-girdle muscular dystrophy, type 2J. Identifiers: Orphanet 140922, MedGen C1837342, MONDO:0012127, OMIM 608807.
Dilated cardiomyopathy 1G (CMD1G). Identifiers: Orphanet 154, MedGen C1858763, MONDO:0011400, OMIM 604145.
Early-onset myopathy with fatal cardiomyopathy (CMYO5). Also called: CONGENITAL MYOPATHY 5 WITH CARDIOMYOPATHY; Salih Myopathy. Identifiers: Orphanet 289377, MedGen C2673677, MONDO:0012714, OMIM 611705. Disease mechanism: loss of function.
Hypertrophic cardiomyopathy 9. Also called: Familial hypertrophic cardiomyopathy 9. Identifiers: MedGen C1861065, MONDO:0013412, OMIM 613765.
Myopathy, myofibrillar, 9, with early respiratory failure (MFM9). Also called: Myopathy, distal, with early respiratory failure, autosomal dominant; Hereditary myopathy with early respiratory failure; EDSTROM MYOPATHY; MYOPATHY, PROXIMAL, WITH EARLY RESPIRATORY MUSCLE INVOLVEMENT. Identifiers: Orphanet 178464, Orphanet 34521, MedGen C1863599, MONDO:0011362, OMIM 603689.
Tibial muscular dystrophy (TMD). Also called: Tibial muscular dystrophy, tardive; Udd Distal Myopathy – Tibial Muscular Dystrophy; UDD MYOPATHY. Identifiers: Orphanet 609, MedGen C1838244, MONDO:0010870, OMIM 600334.
Cardiomyopathy (CMYO). Also called: Cardiomyopathies. Identifiers: Orphanet 167848, MedGen C0878544, MONDO:0004994, HP:0001638. Inheritance: Various modes of inheritance.

Allele frequency attached by ClinVar (database versions not stated): gnomAD 0.00017 and 0.00002; ExAC 0.00087; 1000 Genomes Project 0.00160; gnomAD exomes 0.00071; TOPMed 0.00003; 1000 Genomes Project 30x 0.00156.
gnomAD v4.1: 491 of 1,613,614 alleles (0.03%); highest among the groups gnomAD compares: South Asian, 0.48%; 6 homozygotes.

Submissions (14):

CeGaT Center for Human Genetics Tuebingen
Classification: Likely benign. Last evaluated: 2026-06-01. Review status: criteria provided, single submitter. Criteria: CeGaT Center For Human Genetics Tuebingen Variant Classification Criteria Version 2. Collection method: clinical testing. Allele origin: germline. Affected: yes. Observed: 4 variant alleles.
Comment: TTN: BP4

Labcorp Genetics (formerly Invitae), Labcorp
Classification: Benign for Dilated cardiomyopathy 1G; Autosomal recessive limb-girdle muscular dystrophy type 2J. Last evaluated: 2026-01-26. Review status: criteria provided, single submitter. Criteria: Invitae Variant Classification Sherloc (09022015). Collection method: clinical testing. Allele origin: germline.

Women's Health and Genetics/Laboratory Corporation of America, LabCorp
Classification: Likely benign. Last evaluated: 2025-06-26. Review status: criteria provided, single submitter. Criteria: LabCorp Variant Classification Summary - May 2015. Collection method: clinical testing. Allele origin: germline.

Revvity Omics, Revvity
Classification: Likely benign. Last evaluated: 2024-11-07. Review status: criteria provided, single submitter. Criteria: ACMG Guidelines, 2015. Collection method: clinical testing. Allele origin: germline.

Genome-Nilou Lab
Classification: Benign for Autosomal recessive limb-girdle muscular dystrophy type 2J. Last evaluated: 2021-09-10. Review status: criteria provided, single submitter. Criteria: ACMG Guidelines, 2015. Collection method: clinical testing. Allele origin: germline. Affected: no.

Genome-Nilou Lab
Classification: Benign for Myopathy, myofibrillar, 9, with early respiratory failure. Last evaluated: 2021-09-10. Review status: criteria provided, single submitter. Criteria: ACMG Guidelines, 2015. Collection method: clinical testing. Allele origin: germline. Affected: no.

Genome-Nilou Lab
Classification: Benign for Early-onset myopathy with fatal cardiomyopathy. Last evaluated: 2021-09-10. Review status: criteria provided, single submitter. Criteria: ACMG Guidelines, 2015. Collection method: clinical testing. Allele origin: germline. Affected: no.

Genome-Nilou Lab
Classification: Benign for Tibial muscular dystrophy. Last evaluated: 2021-09-10. Review status: criteria provided, single submitter. Criteria: ACMG Guidelines, 2015. Collection method: clinical testing. Allele origin: germline. Affected: no.

Fulgent Genetics
Classification: Benign for Tibial muscular dystrophy; Myopathy, myofibrillar, 9, with early respiratory failure; Dilated cardiomyopathy 1G; Autosomal recessive limb-girdle muscular dystrophy type 2J; Early-onset myopathy with fatal cardiomyopathy; Hypertrophic cardiomyopathy 9. Last evaluated: 2021-08-13. Review status: criteria provided, single submitter. Criteria: ACMG Guidelines, 2015. Collection method: clinical testing. Allele origin: unknown.

GeneDx
Classification: Benign. Last evaluated: 2018-01-08. Review status: criteria provided, single submitter. Criteria: GeneDx Variant Classification (06012015). Collection method: clinical testing. Allele origin: germline. Affected: yes.
Comment: This variant is considered likely benign or benign based on one or more of the following criteria: it is a conservative change, it occurs at a poorly conserved position in the protein, it is predicted to be benign by multiple in silico algorithms, and/or has population frequency not consistent with disease.

CHEO Genetics Diagnostic Laboratory, Children's Hospital of Eastern Ontario
Classification: Benign for Cardiomyopathy. Last evaluated: 2017-12-08. Review status: criteria provided, single submitter. Criteria: ACMG Guidelines, 2015. Collection method: clinical testing. Allele origin: germline.

Laboratory for Molecular Medicine, Mass General Brigham Personalized Medicine
Classification: Likely benign. Last evaluated: 2015-03-11. Review status: criteria provided, single submitter. Criteria: LMM Criteria. Collection method: clinical testing. Allele origin: germline. Observed: 4 variant alleles.
Comment: p.Pro10595Thr in exon 156 of TTN: This variant is not expected to have clinical significance because it has been identified in 0.6% (101/16512) of South Asian c hromosomes by the Exome Aggregation Consortium (ExAC .org; dbSNP rs397517553).

Eurofins Ntd Llc (ga)
Classification: Likely benign. Last evaluated: 2014-12-23. Review status: criteria provided, single submitter. Criteria: EGL Classification Definitions 2015. Collection method: clinical testing. Allele origin: germline. Observed: 1 variant allele, 1 heterozygote.

PreventionGenetics, part of Exact Sciences
Classification: Likely benign for TTN-related condition. Last evaluated: 2023-04-25. Review status: no assertion criteria provided. Collection method: clinical testing. Allele origin: germline. Not counted in ClinVar's aggregate classification.
Comment: This variant is classified as likely benign based on ACMG/AMP sequence variant interpretation guidelines (Richards et al. 2015 PMID: 25741868, with internal and published modifications).

NM_001267550.2(TTN):c.39085C>A (p.Pro13029Thr)

Gene: TTN (titin; minus strand). Cytogenetic location: 2q31.2.
Variant type: single nucleotide variant.
Coding change: c.39085C>A on transcript NM_001267550.2 (MANE Select); coding-DNA position 39085, C replaced by A.
Protein change: p.Pro13029Thr; replaces proline 13029 with threonine.
Molecular consequence: missense variant. On other transcripts: intron variant (3).
Genome position (GRCh38, 1-based): chr2:178,652,500, G>T on the plus strand (C>A on the coding strand, the complement: TTN is on the minus strand). VCF-style: chr2-178652500-G-T. GRCh37 (hg19) VCF-style: chr2-179517227-G-T.
Other names: p.P10595T:CCA>ACA; c.34564C>A, p.Pro11522Thr (NM_001256850.1); c.31783C>A, p.Pro10595Thr (NM_133378.4); c.13283-10183C>A (NM_003319.4); c.13859-10183C>A (NM_133437.4); c.13658-10183C>A (NM_133432.3); short protein forms P13029T, P10595T, P11522T.
Identifiers: ClinVar variation 46918 (VCV000046918.47), dbSNP rs397517553, ClinGen allele CA139521.
Genomic context (GRCh38, chr2:178,652,500, plus strand): 5'-AAAATCAGTGACAAATACCTTTAACAGGTGTGACTTCAGGCTTTTTAGGAGGAGCCGCTG[G>T]CACTTTCTTTTCAGGAACAACTTCTTTCGGAGCCTCTGGCACTTAAAAGATATTAGTGAA-3'
Protein context (NP_001254479.2, residues 13019-13039): PKEVVPEKKV[Pro13029Thr]AAPPKKPEVT